The following is an entry in ClinVar:

NM_001042492.3(NF1):c.1722-6C>T

Gene: NF1 (neurofibromin 1; plus strand). Cytogenetic location: 17q11.2.
Variant type: single nucleotide variant.
Coding change: c.1722-6C>T on transcript NM_001042492.3 (MANE Select); 6 bases into the intron before coding-DNA position 1722, C replaced by T.
Molecular consequence: intron variant.
Genome position (GRCh38, 1-based): chr17:31,223,438, C>T. VCF-style: chr17-31223438-C-T. GRCh37 (hg19) VCF-style: chr17-29550456-C-T.
Other names: c.1722-6C>T (NM_000267.4).
Identifiers: ClinVar variation 527676 (VCV000527676.8), dbSNP rs878853869, ClinGen allele CA658798774.

ClinVar aggregate classification (germline): Likely benign. Review status: criteria provided, multiple submitters, no conflicts (2 of 4 stars). 2 submissions from 2 submitters: Likely benign (2). Last evaluated 2026-05-12.

Conditions:
Neurofibromatosis, type 1 (NF1). Also called: Neurofibromatosis, type I; NEUROFIBROMATOSIS, TYPE I, SOMATIC; Peripheral type neurofibromatosis; VON RECKLINGHAUSEN DISEASE. Identifiers: Orphanet 636, MedGen C0027831, MONDO:0018975, OMIM 162200. Disease mechanism: loss of function.

Submissions (2):

Myriad Genetics, Inc.
Classification: Likely benign for Neurofibromatosis, type 1. Last evaluated: 2026-05-12. Review status: criteria provided, single submitter. Criteria: Myriad Autosomal Dominant, Autosomal Recessive and X-Linked Classification Criteria (2023). Collection method: clinical testing. Allele origin: unknown.
Comment: This variant is considered likely benign. This variant is intronic and is not expected to impact mRNA splicing.

Labcorp Genetics (formerly Invitae), Labcorp
Classification: Likely benign for Neurofibromatosis, type 1. Last evaluated: 2025-10-18. Review status: criteria provided, single submitter. Criteria: Invitae Variant Classification Sherloc (09022015). Collection method: clinical testing. Allele origin: germline.